The following is an entry in ClinVar:

ClinVar aggregate classification (germline): Likely benign. Review status: criteria provided, multiple submitters, no conflicts (2 of 4 stars). 3 submissions from 3 submitters: Likely benign (3). Last evaluated 2026-05-06.

Conditions:
PCDH15-related disorder. Also called: PCDH15-related condition; PCDH15-related disorders.

Allele frequency attached by ClinVar (database versions not stated): gnomAD exomes 0.00001.
gnomAD v4.1: 4 of 1,613,642 alleles (0.00025%); highest among the groups gnomAD compares: Admixed American, 0.0067%; no homozygotes.

Submissions (3):

PreventionGenetics, part of Exact Sciences
Classification: Likely benign for PCDH15-related condition. Last evaluated: 2026-05-06. Review status: criteria provided, single submitter. Criteria: ACMG Guidelines, 2015. Collection method: clinical testing. Allele origin: germline.
Comment: This variant is classified as likely benign based on ACMG/AMP sequence variant interpretation guidelines (Richards et al. 2015 PMID: 25741868, with internal and published modifications).

Labcorp Genetics (formerly Invitae), Labcorp
Classification: Likely benign. Last evaluated: 2025-11-19. Review status: criteria provided, single submitter. Criteria: Invitae Variant Classification Sherloc (09022015). Collection method: clinical testing. Allele origin: germline.

Blueprint Genetics
Classification: Likely benign. Last evaluated: 2021-10-19. Review status: criteria provided, single submitter. Criteria: ACMG Guidelines, 2015. Collection method: clinical testing. Allele origin: germline.

NM_001384140.1(PCDH15):c.1353C>G (p.Val451=)

Gene: PCDH15 (protocadherin related 15; minus strand). Cytogenetic location: 10q21.1.
Variant type: single nucleotide variant.
Coding change: c.1353C>G on transcript NM_001384140.1 (MANE Select); coding-DNA position 1353, C replaced by G.
Protein change: p.Val451=; no amino-acid change (valine 451 retained).
Molecular consequence: synonymous variant.
Genome position (GRCh38, 1-based): chr10:54,185,221, G>C on the plus strand (C>G on the coding strand, the complement: PCDH15 is on the minus strand). VCF-style: chr10-54185221-G-C. GRCh37 (hg19) VCF-style: chr10-55944981-G-C.
Other names: c.1368C>G, p.Val456= (NM_001142763.2, NM_001142771.2); c.1353C>G, p.Val451= (NM_001142764.2, NM_001142765.2, NM_001142766.2 and 6 more transcripts); c.1242C>G, p.Val414= (NM_001142767.2); c.1287C>G, p.Val429= (NM_001142768.2, NM_001142773.2, NM_001354404.2); c.1389C>G, p.Val463= (NM_001142769.4); c.1374C>G, p.Val458= (NM_001354411.2); c.1353C>G (NM_033056.3).
Identifiers: ClinVar variation 1133671 (VCV001133671.11), dbSNP rs1207824945, ClinGen allele CA469493088.